The following is an entry in ClinVar:

NM_001114753.3(ENG):c.465dup (p.Ile156fs)

Gene: ENG (endoglin; minus strand). Cytogenetic location: 9q34.11.
Variant type: Duplication.
Coding change: c.465dup on transcript NM_001114753.3 (MANE Select); coding-DNA position 465, one base duplicated (C; older notation c.465dupC).
Protein change: p.Ile156fs; shifts the reading frame from isoleucine 156.
Molecular consequence: frameshift variant. On other transcripts: 5 prime UTR variant (1).
Genome position (GRCh38, 1-based): chr9:127,826,568, G duplicated on the plus strand (C on the coding strand, the reverse complement: ENG is on the minus strand); the first of 4 consecutive G bases (chr9:127,826,568-127,826,571); duplicating any one gives the same sequence. VCF-style (leftmost placement, unchanged base first): chr9-127826567-T-TG. GRCh37 (hg19) VCF-style: chr9-130588846-T-TG.
Other names: c.462dup, p.Ile156Hisfs (NM_000118.4, NM_001406715.1); c.-82dup (NM_001278138.2); short protein forms I156fs.
Identifiers: ClinVar variation 1330982 (VCV001330982.9), dbSNP rs2131890499, ClinGen allele CA2573053104.

ClinVar aggregate classification (germline): Pathogenic (1 of 4 stars; one submission).

Conditions:
Telangiectasia, hereditary hemorrhagic, type 1 (HHT1). Also called: Osler Weber Rendu syndrome type 1; ENG-Related Hereditary Hemorrhagic Telangiectasia. Identifiers: Orphanet 774, MedGen C4551861, MONDO:0008535, OMIM 187300. Disease mechanism: loss of function.

Submission:

ARUP Laboratories, Molecular Genetics and Genomics, ARUP Laboratories
Classification: Pathogenic for Telangiectasia, hereditary hemorrhagic, type 1. Last evaluated: 2023-10-30. Review status: criteria provided, single submitter. Criteria: ARUP Molecular Germline Variant Investigation Process 2024. Collection method: clinical testing. Allele origin: germline.
Comment: The ENG c.465dupC; p.Ile156HisfsTer6 variant, to our knowledge, is not reported in the medical literature or gene specific databases. This variant is also absent from general population databases (Exome Variant Server, Genome Aggregation Database), indicating it is not a common polymorphism. This variant causes a frameshift by duplicating a single nucleotide, so it is predicted to result in a truncated protein or mRNA subject to nonsense-mediated decay. Additionally, other frameshifts in this region are described in individuals with HHT and loss of function variants are a known pathogenic mechanism (Abdalla 2006, Lesca 2004). Based on available information, this variant is considered to be pathogenic. REFERENCES Abdalla SA et al. Hereditary haemorrhagic telangiectasia: current views on genetics and mechanisms of disease. J Med Genet. 2006;43(2):97-110. PMID: 15879500 Lesca G et al. Molecular screening of ALK1/ACVRL1 and ENG genes in hereditary hemorrhagic telangiectasia in France. Hum Mutat. 2004;23(4):289-299. PMID: 15024723.